The following is an entry in ClinVar:

ClinVar aggregate classification (germline): Uncertain significance (1 of 4 stars; one submission).

Submission:

Labcorp Genetics (formerly Invitae), Labcorp
Classification: Uncertain significance. Last evaluated: 2025-07-23. Review status: criteria provided, single submitter. Criteria: Invitae Variant Classification Sherloc (09022015). Collection method: clinical testing. Allele origin: germline.
Comment: This sequence change replaces asparagine, which is neutral and polar, with serine, which is neutral and polar, at codon 420 of the ARID1B protein (p.Asn420Ser). This variant is not present in population databases (gnomAD no frequency). This variant has not been reported in the literature in individuals affected with ARID1B-related conditions. ClinVar contains an entry for this variant (Variation ID: 3712141). Invitae Evidence Modeling of protein sequence and biophysical properties (such as structural, functional, and spatial information, amino acid conservation, physicochemical variation, residue mobility, and thermodynamic stability) indicates that this missense variant is not expected to disrupt ARID1B protein function with a negative predictive value of 95%. In summary, the available evidence is currently insufficient to determine the role of this variant in disease. Therefore, it has been classified as a Variant of Uncertain Significance.

NM_001374828.1(ARID1B):c.1508A>G (p.Asn503Ser)

Gene: ARID1B (AT-rich interaction domain 1B; plus strand). Cytogenetic location: 6q25.3.
Variant type: single nucleotide variant.
Coding change: c.1508A>G on transcript NM_001374828.1 (MANE Select); coding-DNA position 1508, A replaced by G.
Protein change: p.Asn503Ser; replaces asparagine 503 with serine.
Molecular consequence: missense variant.
Genome position (GRCh38, 1-based): chr6:156,779,188, A>G. VCF-style: chr6-156779188-A-G. GRCh37 (hg19) VCF-style: chr6-157100322-A-G.
Other names: c.1508A>G, p.Asn503Ser (NM_001371656.1, NM_001374820.1, NM_017519.3); short protein forms N503S.
Identifiers: ClinVar variation 3712141 (VCV003712141.2).